The following is an entry in ClinVar:

ClinVar aggregate classification (germline): Likely benign. Review status: criteria provided, multiple submitters, no conflicts (2 of 4 stars). 2 submissions from 2 submitters: Likely benign (2). Last evaluated 2026-03-03.

Conditions:
Hereditary cancer-predisposing syndrome. Also called: Hereditary neoplastic syndrome; Tumor predisposition; Hereditary Cancer Syndrome; Neoplastic Syndromes, Hereditary. Identifiers: Orphanet 140162, MedGen C0027672, MeSH D009386, MONDO:0015356.
RET-related disorder. Also called: RET-related condition; RET-related disease; RET-related disorders.

Submissions (2):

Ambry Genetics
Classification: Likely benign for Hereditary cancer-predisposing syndrome. Last evaluated: 2026-03-03. Review status: criteria provided, single submitter. Criteria: Ambry Variant Classification Scheme 2023. Collection method: clinical testing. Allele origin: germline.

PreventionGenetics, part of Exact Sciences
Classification: Likely benign for RET-related condition. Last evaluated: 2026-01-09. Review status: criteria provided, single submitter. Criteria: ACMG Guidelines, 2015. Collection method: clinical testing. Allele origin: germline.
Comment: This variant is classified as likely benign based on ACMG/AMP sequence variant interpretation guidelines (Richards et al. 2015 PMID: 25741868, with internal and published modifications).

NM_020975.6(RET):c.741C>G (p.Ala247=)

Gene: RET (ret proto-oncogene; plus strand). Cytogenetic location: 10q11.21.
Variant type: single nucleotide variant.
Coding change: c.741C>G on transcript NM_020975.6 (MANE Select); coding-DNA position 741, C replaced by G.
Protein change: p.Ala247=; no amino-acid change (alanine 247 retained).
Molecular consequence: synonymous variant. On other transcripts: intron variant (22), 5 prime UTR variant (1).
Genome position (GRCh38, 1-based): chr10:43,105,067, C>G. VCF-style: chr10-43105067-C-G. GRCh37 (hg19) VCF-style: chr10-43600515-C-G.
Other names: c.625+2438C>G (NM_001406773.1, NM_001406771.1, NM_001406782.1 and 5 more transcripts); c.496+2438C>G (NM_001406786.1, NM_001406783.1); c.338-3964C>G (NM_001406778.1, NM_001406775.1, NM_001406776.1 and 1 more transcripts); c.337+4345C>G (NM_001406790.1, NM_001406788.1, NM_001406789.1 and 1 more transcripts); c.74-3964C>G (NM_001406784.1); c.74-7032C>G (NM_001406794.1, NM_001406792.1, NM_001406793.1); c.-22C>G (NM_001355216.2); c.741C>G, p.Ala247= (NM_001406743.1, NM_001406744.1, NM_001406759.1 and 6 more transcripts); and 2 more.
Identifiers: ClinVar variation 4827659 (VCV004827659.2).